The following is an entry in ClinVar:

NM_006015.6(ARID1A):c.854G>A (p.Gly285Glu)

Genes: ARID1A (AT-rich interaction domain 1A; plus strand), LOC129929837 (ATAC-STARR-seq lymphoblastoid silent region 489; plus strand). Cytogenetic location: 1p36.11.
Variant type: single nucleotide variant.
Coding change: c.854G>A on transcript NM_006015.6 (MANE Select); coding-DNA position 854, G replaced by A.
Protein change: p.Gly285Glu; replaces glycine 285 with glutamic acid.
Molecular consequence: missense variant.
Genome position (GRCh38, 1-based): chr1:26,697,257, G>A. VCF-style: chr1-26697257-G-A. GRCh37 (hg19) VCF-style: chr1-27023748-G-A.
Other names: c.854G>A, p.Gly285Glu (NM_139135.4); short protein forms G285E.
Identifiers: ClinVar variation 1448219 (VCV001448219.6), dbSNP rs965234764, ClinGen allele CA339266643.
Genomic context (GRCh38, chr1:26,697,257, plus strand): 5'-CCTTCGCTCAGCAGCGCTTCGGGGCCATGGGGGGAGGCGGCCCCTCCGCGGCCGGCGGGG[G>A]AACTCCCCAGCCCACCGCCACCCCCACCCTCAACCAACTGCTCACGTCGCCCAGCTCGGC-3'
Protein context (NP_006006.3, residues 275-295): GGGGPSAAGG[Gly285Glu]TPQPTATPTL

ClinVar aggregate classification (germline): Uncertain significance (1 of 4 stars; one submission).

Allele frequency attached by ClinVar (database versions not stated): gnomAD 0.00001.

Submission:

Labcorp Genetics (formerly Invitae), Labcorp
Classification: Uncertain significance. Last evaluated: 2022-02-10. Review status: criteria provided, single submitter. Criteria: Invitae Variant Classification Sherloc (09022015). Collection method: clinical testing. Allele origin: germline.
Comment: This variant is not present in population databases (gnomAD no frequency). This sequence change replaces glycine, which is neutral and non-polar, with glutamic acid, which is acidic and polar, at codon 285 of the ARID1A protein (p.Gly285Glu). In summary, the available evidence is currently insufficient to determine the role of this variant in disease. Therefore, it has been classified as a Variant of Uncertain Significance. Advanced modeling of protein sequence and biophysical properties (such as structural, functional, and spatial information, amino acid conservation, physicochemical variation, residue mobility, and thermodynamic stability) performed at Invitae indicates that this missense variant is not expected to disrupt ARID1A protein function. This variant has not been reported in the literature in individuals affected with ARID1A-related conditions.